The following is an entry in ClinVar:

NM_152443.3(RDH12):c.392G>T (p.Cys131Phe)

Genes: RDH12 (retinol dehydrogenase 12; plus strand), GPHN (gephyrin; plus strand). Cytogenetic location: 14q24.1.
Variant type: single nucleotide variant.
Coding change: c.392G>T on transcript NM_152443.3 (MANE Select); coding-DNA position 392, G replaced by T.
Protein change: p.Cys131Phe; replaces cysteine 131 with phenylalanine.
Molecular consequence: missense variant.
Genome position (GRCh38, 1-based): chr14:67,726,099, G>T. VCF-style: chr14-67726099-G-T. GRCh37 (hg19) VCF-style: chr14-68192816-G-T.
Other names: short protein forms C131F.
Identifiers: ClinVar variation 1899990 (VCV001899990.2), dbSNP rs2503804837, ClinGen allele CA390150156.

ClinVar aggregate classification (germline): Uncertain significance (1 of 4 stars; one submission).

Conditions:
Leber congenital amaurosis 13 (LCA13). Identifiers: MedGen C2675186, MONDO:0012990, OMIM 612712.

Allele frequency attached by ClinVar (database versions not stated): gnomAD exomes below 0.00001.
gnomAD v4.1: 2 of 1,614,130 alleles (0.00012%); highest among the groups gnomAD compares: Non-Finnish European, 0.00017%; no homozygotes.

Submission:

Labcorp Genetics (formerly Invitae), Labcorp
Classification: Uncertain significance for Leber congenital amaurosis 13. Last evaluated: 2022-10-24. Review status: criteria provided, single submitter. Criteria: Invitae Variant Classification Sherloc (09022015). Collection method: clinical testing. Allele origin: germline.
Comment: This sequence change replaces cysteine, which is neutral and slightly polar, with phenylalanine, which is neutral and non-polar, at codon 131 of the RDH12 protein (p.Cys131Phe). This variant is not present in population databases (gnomAD no frequency). This variant has not been reported in the literature in individuals affected with RDH12-related conditions. Advanced modeling of protein sequence and biophysical properties (such as structural, functional, and spatial information, amino acid conservation, physicochemical variation, residue mobility, and thermodynamic stability) performed at Invitae indicates that this missense variant is not expected to disrupt RDH12 protein function. In summary, the available evidence is currently insufficient to determine the role of this variant in disease. Therefore, it has been classified as a Variant of Uncertain Significance.